The following is an entry in ClinVar:

NM_001378328.1(CELSR1):c.8125C>G (p.Arg2709Gly)

Gene: CELSR1 (cadherin EGF LAG seven-pass G-type receptor 1; minus strand). Cytogenetic location: 22q13.31.
Variant type: single nucleotide variant.
Coding change: c.8125C>G on transcript NM_001378328.1 (MANE Select); coding-DNA position 8125, C replaced by G.
Protein change: p.Arg2709Gly; replaces arginine 2709 with glycine.
Molecular consequence: missense variant.
Genome position (GRCh38, 1-based): chr22:46,367,073, G>C on the plus strand (C>G on the coding strand, the complement: CELSR1 is on the minus strand). VCF-style: chr22-46367073-G-C. GRCh37 (hg19) VCF-style: chr22-46762970-G-C.
Other names: c.8125C>G, p.Arg2709Gly (NM_014246.4); short protein forms R2709G.
Identifiers: ClinVar variation 3044181 (VCV003044181.2), dbSNP rs138303327, ClinGen allele CA10292968.

ClinVar aggregate classification (germline): Likely benign (0 of 4 stars; one submission).

Conditions:
CELSR1-related disorder. Also called: CELSR1-related condition.

Allele frequency attached by ClinVar (database versions not stated): ESP Exome Variant Server 0.00062; 1000 Genomes Project 30x 0.00094; 1000 Genomes Project 0.00100.
gnomAD v4.1: 1,689 of 1,611,508 alleles (0.1%); highest among the groups gnomAD compares: South Asian, 0.15%; 1 homozygote.

Submission:

PreventionGenetics, part of Exact Sciences
Classification: Likely benign for CELSR1-related condition. Last evaluated: 2022-02-25. Review status: no assertion criteria provided. Collection method: clinical testing. Allele origin: germline.
Comment: This variant is classified as likely benign based on ACMG/AMP sequence variant interpretation guidelines (Richards et al. 2015 PMID: 25741868, with internal and published modifications).